The following is an entry in ClinVar:

ClinVar aggregate classification (germline): Uncertain significance (1 of 4 stars; one submission).

Submission:

Labcorp Genetics (formerly Invitae), Labcorp
Classification: Uncertain significance. Last evaluated: 2019-09-28. Review status: criteria provided, single submitter. Criteria: Invitae Variant Classification Sherloc (09022015). Collection method: clinical testing. Allele origin: germline.
Comment: In summary, the available evidence is currently insufficient to determine the role of this variant in disease. Therefore, it has been classified as a Variant of Uncertain Significance. The current clinical and genetic evidence is not sufficient to establish whether loss-of-function variants in SPP2 cause disease. This variant has not been reported in the literature in individuals with SPP2-related conditions. This variant is a gross deletion of the genomic region encompassing exons 1-2 of the SPP2 gene, which includes the initiator codon. The 5' end of this event is unknown as it extends beyond the assayed region for this gene and therefore may encompass additional genes. The 3' boundary is likely confined to intron 2 of the SPP2 gene. This is expected to result in an absent or disrupted protein product.

NC_000002.12:g.(?_234050787)_(234051095_?)del

Gene: SPP2 (secreted phosphoprotein 2; plus strand). Cytogenetic location: 2q37.1.
Variant type: Deletion.
Identifiers: ClinVar variation 830787 (VCV000830787.4).